The following is an entry in ClinVar:

NM_016628.5(WAC):c.1792A>G (p.Met598Val)

Gene: WAC (WW domain containing adaptor with coiled-coil; plus strand). Cytogenetic location: 10p12.1.
Variant type: single nucleotide variant.
Coding change: c.1792A>G on transcript NM_016628.5 (MANE Select); coding-DNA position 1792, A replaced by G.
Protein change: p.Met598Val; replaces methionine 598 with valine.
Molecular consequence: missense variant.
Genome position (GRCh38, 1-based): chr10:28,617,702, A>G. VCF-style: chr10-28617702-A-G. GRCh37 (hg19) VCF-style: chr10-28906631-A-G.
Other names: c.1657A>G, p.Met553Val (NM_100264.3); c.1483A>G, p.Met495Val (NM_100486.4); short protein forms M495V, M553V, M598V.
Identifiers: ClinVar variation 2629403 (VCV002629403.1), dbSNP rs1253455569, ClinGen allele CA376406171.

ClinVar aggregate classification (germline): Uncertain significance (1 of 4 stars; one submission).

Conditions:
WAC-related disorder. Also called: WAC-related condition.

Allele frequency attached by ClinVar (database versions not stated): gnomAD exomes below 0.00001.
gnomAD v4.1: 6 of 1,598,642 alleles (0.00038%); highest among the groups gnomAD compares: South Asian, 0.0023%; no homozygotes.

Submission:

PreventionGenetics, part of Exact Sciences
Classification: Uncertain significance for WAC-related condition. Last evaluated: 2023-05-26. Review status: criteria provided, single submitter. Criteria: ACMG Guidelines, 2015. Collection method: clinical testing. Allele origin: germline.
Comment: The WAC c.1792A>G variant is predicted to result in the amino acid substitution p.Met598Val. To our knowledge, this variant has not been reported in the literature. This variant is reported in 0.0037% of alleles in individuals of South Asian descent in gnomAD. At this time, the clinical significance of this variant is uncertain due to the absence of conclusive functional and genetic evidence.